The following is an entry in ClinVar:

NM_001318852.2(MAPK8IP3):c.39G>A (p.Val13=)

Gene: MAPK8IP3 (mitogen-activated protein kinase 8 interacting protein 3; plus strand). Cytogenetic location: 16p13.3.
Variant type: single nucleotide variant.
Coding change: c.39G>A on transcript NM_001318852.2 (MANE Select); coding-DNA position 39, G replaced by A.
Protein change: p.Val13=; no amino-acid change (valine 13 retained).
Molecular consequence: synonymous variant.
Genome position (GRCh38, 1-based): chr16:1,706,378, G>A. VCF-style: chr16-1706378-G-A. GRCh37 (hg19) VCF-style: chr16-1756379-G-A.
Other names: c.39G>A, p.Val13= (NM_001040439.2, NM_015133.5, NM_033392.3).
Identifiers: ClinVar variation 3039422 (VCV003039422.2), dbSNP rs201073807, ClinGen allele CA7816212.

ClinVar aggregate classification (germline): Benign (0 of 4 stars; one submission).

Conditions:
MAPK8IP3-related disorder. Also called: MAPK8IP3-related condition.

Allele frequency attached by ClinVar (database versions not stated): ESP Exome Variant Server 0.00192; TOPMed 0.00204; gnomAD 0.00435; 1000 Genomes Project 30x 0.01608; 1000 Genomes Project 0.01677; ExAC 0.01897.
gnomAD v4.1: 10,883 of 1,610,328 alleles (0.68%); highest among the groups gnomAD compares: South Asian, 7.9%; 329 homozygotes.

Submission:

PreventionGenetics, part of Exact Sciences
Classification: Benign for MAPK8IP3-related condition. Last evaluated: 2019-12-02. Review status: no assertion criteria provided. Collection method: clinical testing. Allele origin: germline.
Comment: This variant is classified as benign based on ACMG/AMP sequence variant interpretation guidelines (Richards et al. 2015 PMID: 25741868, with internal and published modifications).